The following is an entry in ClinVar:

ClinVar aggregate classification (germline): Uncertain significance (1 of 4 stars; one submission).

Conditions:
Early-infantile DEE. Also called: Ohtahara syndrome; Early infantile epileptic encephalopathy with suppression bursts; Early infantile epileptic encephalopathy. Identifiers: Orphanet 1934, MedGen C0393706, MONDO:0800491.

Submission:

Labcorp Genetics (formerly Invitae), Labcorp
Classification: Uncertain significance for Early-infantile DEE. Last evaluated: 2023-10-22. Review status: criteria provided, single submitter. Criteria: Invitae Variant Classification Sherloc (09022015). Collection method: clinical testing. Allele origin: germline.
Comment: This sequence change falls in intron 48 of the SPTAN1 gene. It does not directly change the encoded amino acid sequence of the SPTAN1 protein. It affects a nucleotide within the consensus splice site. This variant is present in population databases (no rsID available, gnomAD 0.0009%). This variant has not been reported in the literature in individuals affected with SPTAN1-related conditions. Variants that disrupt the consensus splice site are a relatively common cause of aberrant splicing (PMID: 17576681, 9536098). Algorithms developed to predict the effect of sequence changes on RNA splicing suggest that this variant is not likely to affect RNA splicing. In summary, the available evidence is currently insufficient to determine the role of this variant in disease. Therefore, it has been classified as a Variant of Uncertain Significance.

Literature cited by the submitters: PubMed 17576681; PubMed 9536098.

NM_001130438.3(SPTAN1):c.6279+4A>G

Gene: SPTAN1 (spectrin alpha, non-erythrocytic 1; plus strand). Cytogenetic location: 9q34.11.
Variant type: single nucleotide variant.
Coding change: c.6279+4A>G on transcript NM_001130438.3 (MANE Select); 4 bases into the intron after coding-DNA position 6279, A replaced by G.
Molecular consequence: intron variant.
Genome position (GRCh38, 1-based): chr9:128,625,982, A>G. VCF-style: chr9-128625982-A-G. GRCh37 (hg19) VCF-style: chr9-131388261-A-G.
Other names: c.6315+4A>G (NM_001375318.1, NM_001375312.2); c.6279+4A>G (NM_001375311.2, NM_001375310.1, NM_001363759.2 and 1 more transcripts); c.6219+4A>G (NM_001375314.2, NM_001363765.2); c.6264+4A>G (NM_003127.4); c.6204+4A>G (NM_001195532.2).
Identifiers: ClinVar variation 2852559 (VCV002852559.3), dbSNP rs1274186786, ClinGen allele CA590941955.